The following is an entry in ClinVar:

NM_022132.5(MCCC2):c.592C>T (p.Gln198Ter)

Gene: MCCC2 (methylcrotonyl-CoA carboxylase subunit 2; plus strand). Cytogenetic location: 5q13.2.
Variant type: single nucleotide variant.
Coding change: c.592C>T on transcript NM_022132.5 (MANE Select); coding-DNA position 592, C replaced by T.
Protein change: p.Gln198Ter; replaces glutamine 198 with a stop codon.
Molecular consequence: nonsense.
Genome position (GRCh38, 1-based): chr5:71,604,436, C>T. VCF-style: chr5-71604436-C-T. GRCh37 (hg19) VCF-style: chr5-70900263-C-T.
Other names: c.592C>T, p.Gln198Ter (NM_001363147.1); c.592C>T (NM_022132.4); short protein forms Q198*.
Identifiers: ClinVar variation 1098284 (VCV001098284.12), dbSNP rs764286389, ClinGen allele CA3297817.

ClinVar aggregate classification (germline): Pathogenic. Review status: criteria provided, multiple submitters, no conflicts (2 of 4 stars). 4 submissions from 4 submitters: Pathogenic (4). Last evaluated 2025-09-29.

Conditions:
3-methylcrotonyl-CoA carboxylase 2 deficiency. Also called: METHYLCROTONYLGLYCINURIA, TYPE II; 3 alpha methylcrotonyl-CoA carboxylase 2 deficiency; 3 alpha methylcrotonylglycinuria 2; MCC 2 deficiency; Methylcrotonylglycinuria type 2. Identifiers: Orphanet 6, MedGen C1859499, MONDO:0008862, OMIM 210210.

Allele frequency attached by ClinVar (database versions not stated): gnomAD 0.00001; TOPMed below 0.00001.
gnomAD v4.1: 3 of 1,614,008 alleles (0.00019%); highest among the groups gnomAD compares: East Asian, 0.0045%; no homozygotes.

Submissions (4):

Natera, Inc.
Classification: Pathogenic for 3-methylcrotonyl-CoA carboxylase 2 deficiency. Last evaluated: 2025-09-29. Review status: criteria provided, single submitter. Criteria: Natera Variant Classification Schema (03/2026). Collection method: clinical testing. Allele origin: germline.
Comment: The c.592C>T variant in MCCC2 is a nonsense variant predicted to introduce a stop codon at amino acid 198. This variant is expected to result in nonsense mediated decay, truncation, or a dysfunctional protein product. This variant is rare in the general population with a frequency below the threshold expected for the associated phenotype(s). This variant has been observed in one or more individuals affected with the associated recessive disease, as either homozygous or compound heterozygous with a second variant (PMID: 25356967). Given the available evidence, this variant is classified as Pathogenic.

Labcorp Genetics (formerly Invitae), Labcorp
Classification: Pathogenic for 3-methylcrotonyl-CoA carboxylase 2 deficiency. Last evaluated: 2025-04-23. Review status: criteria provided, single submitter. Criteria: Invitae Variant Classification Sherloc (09022015). Collection method: clinical testing. Allele origin: germline.
Comment: This sequence change creates a premature translational stop signal (p.Gln198*) in the MCCC2 gene. It is expected to result in an absent or disrupted protein product. Loss-of-function variants in MCCC2 are known to be pathogenic (PMID: 11181649, 22642865). This variant is present in population databases (rs764286389, gnomAD 0.01%). This premature translational stop signal has been observed in individual(s) with 3-methylcrotonyl-CoA carboxylase (PMID: 17968484). ClinVar contains an entry for this variant (Variation ID: 1098284). For these reasons, this variant has been classified as Pathogenic.

Myriad Genetics, Inc.
Classification: Pathogenic for 3-methylcrotonyl-CoA carboxylase 2 deficiency. Last evaluated: 2025-01-23. Review status: criteria provided, single submitter. Criteria: Myriad Autosomal Dominant, Autosomal Recessive and X-Linked Classification Criteria (2023). Collection method: clinical testing. Allele origin: unknown.
Comment: NM_022132.4(MCCC2):c.592C>T(Q198*) is expected to be pathogenic in the context of 3-methylcrotonyl-CoA carboxylase deficiency, MCCC2-related. This variant is predicted to lead to an abnormal or absent protein product due to the creation of a premature termination codon in MCCC2, a gene where loss-of-function variants are known to be pathogenic. Please note: this variant was assessed in the context of healthy population screening.

Genetics and Prenatal Diagnosis Center, The First Affiliated Hospital of Zhengzhou University
Classification: Pathogenic for 3-methylcrotonyl-CoA carboxylase 2 deficiency. Last evaluated: 2021-05-13. Review status: criteria provided, single submitter. Criteria: ACMG Guidelines, 2015. Collection method: clinical testing. Allele origin: germline. Affected: yes.

Literature cited by the submitters: PubMed 25356967 (cited by Natera, Inc.); PubMed 11181649 (cited by Labcorp Genetics (formerly Invitae), Labcorp); PubMed 22642865 (cited by Labcorp Genetics (formerly Invitae), Labcorp); PubMed 17968484 (cited by Labcorp Genetics (formerly Invitae), Labcorp and Genetics and Prenatal Diagnosis Center, The First Affiliated Hospital of Zhengzhou University).